The following is an entry in ClinVar:

ClinVar aggregate classification (germline): Uncertain significance (1 of 4 stars; one submission).

Conditions:
USH2A-related disorder. Also called: USH2A-related condition; USH2A-related disorders. Identifiers: MedGen CN239332.

gnomAD v4.1: 9 of 1,614,078 alleles (0.00056%); highest among the groups gnomAD compares: Non-Finnish European, 0.00076%; no homozygotes.

Submission:

PreventionGenetics, part of Exact Sciences
Classification: Uncertain significance for USH2A-related condition. Last evaluated: 2024-10-28. Review status: criteria provided, single submitter. Criteria: ACMG Guidelines, 2015. Collection method: clinical testing. Allele origin: germline.
Comment: The USH2A c.9866G>A variant is predicted to result in the amino acid substitution p.Gly3289Asp. To our knowledge, this variant has not been reported in the literature. This variant is reported in 0.00088% of alleles in individuals of European (Non-Finnish) descent in gnomAD. At this time, the clinical significance of this variant is uncertain due to the absence of conclusive functional and genetic evidence.

NM_206933.4(USH2A):c.9866G>A (p.Gly3289Asp)

Gene: USH2A (usherin; minus strand). Cytogenetic location: 1q41.
Variant type: single nucleotide variant.
Coding change: c.9866G>A on transcript NM_206933.4 (MANE Select); coding-DNA position 9866, G replaced by A.
Protein change: p.Gly3289Asp; replaces glycine 3289 with aspartic acid.
Molecular consequence: missense variant.
Genome position (GRCh38, 1-based): chr1:215,798,999, C>T on the plus strand (G>A on the coding strand, the complement: USH2A is on the minus strand). VCF-style: chr1-215798999-C-T. GRCh37 (hg19) VCF-style: chr1-215972341-C-T.
Other names: short protein forms G3289D.
Identifiers: ClinVar variation 4987580 (VCV004987580.1).